The following is an entry in ClinVar:

ClinVar aggregate classification (germline): Uncertain significance (1 of 4 stars; one submission).

Submission:

Labcorp Genetics (formerly Invitae), Labcorp
Classification: Uncertain significance. Last evaluated: 2025-08-18. Review status: criteria provided, single submitter. Criteria: Invitae Variant Classification Sherloc (09022015). Collection method: clinical testing. Allele origin: germline.
Comment: This sequence change replaces aspartic acid, which is acidic and polar, with glycine, which is neutral and non-polar, at codon 128 of the CLTC protein (p.Asp128Gly). This variant is not present in population databases (gnomAD no frequency). This variant has not been reported in the literature in individuals affected with CLTC-related conditions. ClinVar contains an entry for this variant (Variation ID: 3691632). Invitae Evidence Modeling of protein sequence and biophysical properties (such as structural, functional, and spatial information, amino acid conservation, physicochemical variation, residue mobility, and thermodynamic stability) indicates that this missense variant is not expected to disrupt CLTC protein function with a negative predictive value of 80%. In summary, the available evidence is currently insufficient to determine the role of this variant in disease. Therefore, it has been classified as a Variant of Uncertain Significance.

NM_004859.4(CLTC):c.371A>G (p.Asp124Gly)

Gene: CLTC (clathrin heavy chain; plus strand). Cytogenetic location: 17q23.1.
Variant type: single nucleotide variant.
Coding change: c.371A>G on transcript NM_004859.4 (MANE Select); coding-DNA position 371, A replaced by G.
Protein change: p.Asp124Gly; replaces aspartic acid 124 with glycine.
Molecular consequence: missense variant.
Genome position (GRCh38, 1-based): chr17:59,647,518, A>G. VCF-style: chr17-59647518-A-G. GRCh37 (hg19) VCF-style: chr17-57724879-A-G.
Other names: c.383A>G, p.Asp128Gly (NM_001288653.2); short protein forms D128G, D124G.
Identifiers: ClinVar variation 3691632 (VCV003691632.2).